The following is an entry in ClinVar:

NC_000006.11:g.(?_123818328)_(123825056_?)del

Gene: TRDN (triadin; minus strand). Cytogenetic location: 6q22.31.
Variant type: Deletion.
Identifiers: ClinVar variation 1040674 (VCV001040674.2).

ClinVar aggregate classification (germline): Uncertain significance (1 of 4 stars; one submission).

Conditions:
Catecholaminergic polymorphic ventricular tachycardia (CVPT). Also called: Catecholamine-induced polymorphic ventricular tachycardia. Identifiers: Orphanet 3286, MedGen C5574922, MONDO:0017990.

Submission:

Labcorp Genetics (formerly Invitae), Labcorp
Classification: Uncertain significance for Catecholaminergic polymorphic ventricular tachycardia 1. Last evaluated: 2020-03-11. Review status: criteria provided, single submitter. Criteria: Invitae Variant Classification Sherloc (09022015). Collection method: clinical testing. Allele origin: germline.
Comment: This variant is an in-frame deletion of the genomic region encompassing exons 8-9 of the TRDN gene. It preserves the integrity of the reading frame. This variant has not been reported in the literature in individuals with TRDN-related conditions. In summary, the available evidence is currently insufficient to determine the role of this variant in disease. Therefore, it has been classified as a Variant of Uncertain Significance.